The following is an entry in ClinVar:

ClinVar aggregate classification (germline): Uncertain significance (1 of 4 stars; one submission).

Submission:

Labcorp Genetics (formerly Invitae), Labcorp
Classification: Uncertain significance. Last evaluated: 2021-09-18. Review status: criteria provided, single submitter. Criteria: Invitae Variant Classification Sherloc (09022015). Collection method: clinical testing. Allele origin: germline.
Comment: This variant, c.375_377dup, results in the insertion of 1 amino acid(s) to the TRIM37 protein (p.Gly126dup), but otherwise preserves the integrity of the reading frame. This variant is present in population databases (rs778324263, ExAC 0.007%). This variant has not been reported in the literature in individuals affected with TRIM37-related conditions. Experimental studies and prediction algorithms are not available or were not evaluated, and the functional significance of this variant is currently unknown. In summary, the available evidence is currently insufficient to determine the role of this variant in disease. Therefore, it has been classified as a Variant of Uncertain Significance.

NM_015294.6(TRIM37):c.375_377dup (p.Gly126dup)

Gene: TRIM37 (tripartite motif containing 37; minus strand). Cytogenetic location: 17q22.
Variant type: Duplication.
Coding change: c.375_377dup on transcript NM_015294.6 (MANE Select); coding-DNA positions 375 to 377, 3 bases duplicated (CGG; older notation c.375_377dupCGG).
Protein change: p.Gly126dup; duplicates glycine 126.
Molecular consequence: inframe insertion. On other transcripts: non-coding transcript variant (2), 5 prime UTR variant (2).
Genome position (GRCh38, 1-based): chr17:59,081,212-59,081,214, CCG duplicated on the plus strand (CGG on the coding strand, the reverse complement: TRIM37 is on the minus strand); duplicating any 3 consecutive bases within chr17:59,081,212-59,081,216 gives the same sequence; the c. name uses the placement nearest the transcript's 3' end. VCF-style (leftmost placement, unchanged base first): chr17-59081211-T-TCCG. GRCh37 (hg19) VCF-style: chr17-57158572-T-TCCG.
Other names: c.375_377dup, p.Gly126dup (NM_001320989.3, NM_001353086.2, NM_001353084.2 and 2 more transcripts); c.9_11dup, p.Gly4dup (NM_001320990.3); c.273_275dup, p.Gly92dup (NM_001353082.2, NM_001320987.3); c.-378_-376dup (NM_001353083.2); c.-88_-86dup (NM_001353085.2).
Identifiers: ClinVar variation 1363301 (VCV001363301.3), dbSNP rs778324263, ClinGen allele CA8678632.